The following is an entry in ClinVar:

ClinVar aggregate classification (germline): Uncertain significance (1 of 4 stars; one submission).

Allele frequency attached by ClinVar (database versions not stated): gnomAD 0.00001; TOPMed 0.00001.
gnomAD v4.1: 1 of 1,612,516 alleles (0.000062%); highest among the groups gnomAD compares: African/African-American, 0.0013%; no homozygotes.

Submission:

Ambry Genetics
Classification: Uncertain significance. Last evaluated: 2023-11-15. Review status: criteria provided, single submitter. Criteria: Ambry Variant Classification Scheme 2023. Collection method: clinical testing. Allele origin: germline.
Comment: The p.Y84C variant (also known as c.251A>G), located in coding exon 2 of the POLQ gene, results from an A to G substitution at nucleotide position 251. The tyrosine at codon 84 is replaced by cysteine, an amino acid with highly dissimilar properties. This amino acid position is conserved. In addition, the in silico prediction for this alteration is inconclusive. Since supporting evidence is limited at this time, the clinical significance of this alteration remains unclear.

NM_199420.4(POLQ):c.251A>G (p.Tyr84Cys)

Gene: POLQ (DNA polymerase theta; minus strand). Cytogenetic location: 3q13.33.
Variant type: single nucleotide variant.
Coding change: c.251A>G on transcript NM_199420.4 (MANE Select); coding-DNA position 251, A replaced by G.
Protein change: p.Tyr84Cys; replaces tyrosine 84 with cysteine.
Molecular consequence: missense variant.
Genome position (GRCh38, 1-based): chr3:121,544,819, T>C on the plus strand (A>G on the coding strand, the complement: POLQ is on the minus strand). VCF-style: chr3-121544819-T-C. GRCh37 (hg19) VCF-style: chr3-121263666-T-C.
Other names: short protein forms Y84C.
Identifiers: ClinVar variation 1792502 (VCV001792502.2), dbSNP rs2048517803, ClinGen allele CA354094617.
Genomic context (GRCh38, chr3:121,544,819, plus strand): 5'-TGTCCAAGCAAAAGGCACTCTGCCTGCCATTCAAACATCTTTTTTACACCAAAACTGTGG[T>C]ATTTTTCCAGAACTGCTTTAGGAAGTCCCCAGTTTGCCAATAGTAGCTTGTCTCTTTCGT-3'
Protein context (NP_955452.3, residues 74-94): WGLPKAVLEK[Tyr84Cys]HSFGVKKMFE